The following is an entry in ClinVar:

NM_133510.4(RAD51B):c.433T>G (p.Ser145Ala)

Gene: RAD51B (RAD51 paralog B; plus strand). Cytogenetic location: 14q24.1.
Variant type: single nucleotide variant.
Coding change: c.433T>G on transcript NM_133510.4 (MANE Select); coding-DNA position 433, T replaced by G.
Protein change: p.Ser145Ala; replaces serine 145 with alanine.
Molecular consequence: missense variant.
Genome position (GRCh38, 1-based): chr14:67,865,120, T>G. VCF-style: chr14-67865120-T-G. GRCh37 (hg19) VCF-style: chr14-68331837-T-G.
Other names: c.433T>G, p.Ser145Ala (NM_001321814.2, NM_001321818.2, NM_001321819.1 and 6 more transcripts); c.319T>G, p.Ser107Ala (NM_001321815.1); c.76T>G, p.Ser26Ala (NM_001321817.2); short protein forms S107A, S145A, S26A.
Identifiers: ClinVar variation 4862908 (VCV004862908.1).

ClinVar aggregate classification (germline): Uncertain significance (1 of 4 stars; one submission).

Submission:

Ambry Genetics
Classification: Uncertain significance. Last evaluated: 2026-05-15. Review status: criteria provided, single submitter. Criteria: Ambry Variant Classification Scheme 2023. Collection method: clinical testing. Allele origin: germline.
Comment: The p.S145A variant (also known as c.433T>G), located in coding exon 4 of the RAD51B gene, results from a T to G substitution at nucleotide position 433. The serine at codon 145 is replaced by alanine, an amino acid with similar properties. This amino acid position is conserved. In addition, this alteration is predicted to be tolerated by in silico analysis. Based on the available evidence, the clinical significance of this variant remains unclear.